The following is an entry in ClinVar:

ClinVar aggregate classification (germline): Pathogenic (1 of 4 stars; one submission).

Conditions:
Joubert syndrome. Also called: CEREBELLOPARENCHYMAL DISORDER IV; JOUBERT-BOLTSHAUSER SYNDROME; Familial aplasia of the vermis. Identifiers: Orphanet 475, MedGen C5979921, MONDO:0018772.

Submission:

Labcorp Genetics (formerly Invitae), Labcorp
Classification: Pathogenic for Joubert syndrome. Last evaluated: 2023-01-16. Review status: criteria provided, single submitter. Criteria: Invitae Variant Classification Sherloc (09022015). Collection method: clinical testing. Allele origin: germline.
Comment: For these reasons, this variant has been classified as Pathogenic. This variant has not been reported in the literature in individuals affected with AHI1-related conditions. This variant is not present in population databases (gnomAD no frequency). This sequence change creates a premature translational stop signal (p.Lys32Asnfs*2) in the AHI1 gene. It is expected to result in an absent or disrupted protein product. Loss-of-function variants in AHI1 are known to be pathogenic (PMID: 15322546, 16453322, 28442542, 29186038).

Literature cited by the submitters: PubMed 15322546; PubMed 16453322; PubMed 28442542; PubMed 29186038.

NM_001134831.2(AHI1):c.96del (p.Lys32fs)

Gene: AHI1 (Abelson helper integration site 1; minus strand). Cytogenetic location: 6q23.3.
Variant type: Deletion.
Coding change: c.96del on transcript NM_001134831.2 (MANE Select); coding-DNA position 96, one base deleted (A; older notation c.96delA).
Protein change: p.Lys32fs; shifts the reading frame from lysine 32.
Molecular consequence: frameshift variant.
Genome position (GRCh38, 1-based): chr6:135,490,662, T deleted on the plus strand (A on the coding strand, the reverse complement: AHI1 is on the minus strand); the first of 6 consecutive T bases (chr6:135,490,662-135,490,667); deleting any one gives the same sequence. VCF-style (leftmost placement, unchanged base first): chr6-135490661-GT-G. GRCh37 (hg19) VCF-style: chr6-135811799-GT-G.
Other names: c.96del, p.Lys32fs (NM_001134830.2, NM_001134832.2, NM_001350503.2 and 2 more transcripts); short protein forms K32fs.
Identifiers: ClinVar variation 2960138 (VCV002960138.3), dbSNP rs747322175, ClinGen allele CA2740091497.